The following is an entry in ClinVar:

ClinVar aggregate classification (germline): Conflicting classifications of pathogenicity. Review status: criteria provided, conflicting classifications (1 of 4 stars). 4 submissions from 4 submitters: Uncertain significance (1); Likely benign (2). 1 of the submissions does not count toward it. Last evaluated 2023-06-14.

Conditions:
Hereditary cancer-predisposing syndrome. Also called: Neoplastic Syndromes, Hereditary; Tumor predisposition; Hereditary Cancer Syndrome; Hereditary neoplastic syndrome. Identifiers: Orphanet 140162, MedGen C0027672, MeSH D009386, MONDO:0015356.
Hereditary breast ovarian cancer syndrome. Also called: Hereditary breast and ovarian cancer; Breast and ovarian cancer; Hereditary breast and ovarian cancer syndrome (HBOC); BRCA1- and BRCA2-Associated Hereditary Breast and Ovarian Cancer; Hereditary breast and ovarian cancer syndrome; Hereditary breast and/or ovarian cancer syndrome. Identifiers: Orphanet 145, MedGen C0677776, MeSH D061325, MONDO:0003582. Disease mechanism: loss of function.
Breast-ovarian cancer, familial, susceptibility to, 2 (BROVCA2). Also called: BRCA2 Hereditary Breast and Ovarian Cancer. Identifiers: Orphanet 145, MedGen C2675520, MONDO:0012933, OMIM 612555. Disease mechanism: loss of function.

Allele frequency attached by ClinVar (database versions not stated): gnomAD 0.00001.
gnomAD v4.1: 1 of 1,613,146 alleles (0.000062%); highest among the groups gnomAD compares: Non-Finnish European, 0.000085%; no homozygotes.

Submissions (4):

Labcorp Genetics (formerly Invitae), Labcorp
Classification: Uncertain significance for Hereditary breast ovarian cancer syndrome. Last evaluated: 2023-06-14. Review status: criteria provided, single submitter. Criteria: Invitae Variant Classification Sherloc (09022015). Collection method: clinical testing. Allele origin: germline.
Comment: In summary, the available evidence is currently insufficient to determine the role of this variant in disease. Therefore, it has been classified as a Variant of Uncertain Significance. This sequence change replaces asparagine, which is neutral and polar, with tyrosine, which is neutral and polar, at codon 2221 of the BRCA2 protein (p.Asn2221Tyr). This variant is not present in population databases (gnomAD no frequency). This missense change has been observed in individual(s) with clinical features of BRCA2-related conditions (PMID: 21520333). ClinVar contains an entry for this variant (Variation ID: 522289). Advanced modeling of protein sequence and biophysical properties (such as structural, functional, and spatial information, amino acid conservation, physicochemical variation, residue mobility, and thermodynamic stability) performed at Invitae indicates that this missense variant is not expected to disrupt BRCA2 protein function.

University of Washington Department of Laboratory Medicine, University of Washington
Classification: Likely benign for Hereditary cancer-predisposing syndrome. Last evaluated: 2023-03-23. Review status: criteria provided, single submitter. Criteria: Dines et al. (Genet Med. 2020). Collection method: curation. Allele origin: germline.
Comment: Missense variant in a coldspot region where missense variants are very unlikely to be pathogenic (PMID:31911673).

BRCA2 exon 11 coldspot. Reclassification based on statistical prior probability.

Clinical Genetics DNA and cytogenetics Diagnostics Lab, Erasmus MC, Erasmus Medical Center
Classification: Likely benign for Breast-ovarian cancer, familial, susceptibility to, 2. Last evaluated: 2015-09-21. Review status: criteria provided, single submitter. Criteria: ACGS Guidelines, 2013. Collection method: clinical testing. Allele origin: germline. Affected: yes. Study: VKGL Data-share Consensus.

Clinical Genetics Laboratory, Department of Pathology, Netherlands Cancer Institute
Classification: Likely benign. Review status: no assertion criteria provided. Collection method: clinical testing. Allele origin: germline. Affected: yes. Study: VKGL Data-share Consensus. Not counted in ClinVar's aggregate classification.

Literature cited by the submitters: PubMed 21520333 (cited by Labcorp Genetics (formerly Invitae), Labcorp).

NM_000059.4(BRCA2):c.6661A>T (p.Asn2221Tyr)

Gene: BRCA2 (BRCA2 DNA repair associated; plus strand). Cytogenetic location: 13q13.1.
Variant type: single nucleotide variant.
Coding change: c.6661A>T on transcript NM_000059.4 (MANE Select); coding-DNA position 6661, A replaced by T.
Protein change: p.Asn2221Tyr; replaces asparagine 2221 with tyrosine.
Molecular consequence: missense variant.
Genome position (GRCh38, 1-based): chr13:32,341,016, A>T. VCF-style: chr13-32341016-A-T. GRCh37 (hg19) VCF-style: chr13-32915153-A-T.
Other names: short protein forms N2221Y.
Identifiers: ClinVar variation 522289 (VCV000522289.13), dbSNP rs1555284785, ClinGen allele CA387790452.